The following is an entry in ClinVar:

ClinVar aggregate classification (germline): Uncertain significance. Review status: criteria provided, multiple submitters, no conflicts (2 of 4 stars). 2 submissions from 2 submitters: Uncertain significance (2). Last evaluated 2025-06-17.

Conditions:
Kabuki syndrome 1 (KABUK1). Also called: KMT2D-Related Kabuki Syndrome. Identifiers: Orphanet 2322, MedGen CN030661, MONDO:0007843, OMIM 147920.
Choanal atresia-athelia-hypothyroidism-delayed puberty-short stature syndrome (BCAHH). Also called: BRANCHIAL ARCH ABNORMALITIES, CHOANAL ATRESIA, ATHELIA, HEARING LOSS, AND HYPOTHYROIDISM SYNDROME. Identifiers: Orphanet 589856, MedGen C5680310, MONDO:0035651, OMIM 620186.
Kabuki syndrome. Also called: Kabuki make-up syndrome; NIIKAWA-KUROKI SYNDROME. Identifiers: Orphanet 2322, MedGen C0796004, MONDO:0016512.

Allele frequency attached by ClinVar (database versions not stated): gnomAD exomes below 0.00001.
gnomAD v4.1: 1 of 1,612,334 alleles (0.000062%); highest among the groups gnomAD compares: Middle Eastern, 0.017%; no homozygotes.

Submissions (2):

Labcorp Genetics (formerly Invitae), Labcorp
Classification: Uncertain significance for Kabuki syndrome. Last evaluated: 2025-06-17. Review status: criteria provided, single submitter. Criteria: Invitae Variant Classification Sherloc (09022015). Collection method: clinical testing. Allele origin: germline.
Comment: This sequence change replaces glutamic acid, which is acidic and polar, with lysine, which is basic and polar, at codon 595 of the KMT2D protein (p.Glu595Lys). This variant is not present in population databases (gnomAD no frequency). This variant has not been reported in the literature in individuals affected with KMT2D-related conditions. ClinVar contains an entry for this variant (Variation ID: 2962825). Invitae Evidence Modeling of protein sequence and biophysical properties (such as structural, functional, and spatial information, amino acid conservation, physicochemical variation, residue mobility, and thermodynamic stability) indicates that this missense variant is not expected to disrupt KMT2D protein function with a negative predictive value of 95%. In summary, the available evidence is currently insufficient to determine the role of this variant in disease. Therefore, it has been classified as a Variant of Uncertain Significance.

Fulgent Genetics
Classification: Uncertain significance for Kabuki syndrome 1; Choanal atresia-athelia-hypothyroidism-delayed puberty-short stature syndrome. Last evaluated: 2024-01-01. Review status: criteria provided, single submitter. Criteria: ACMG Guidelines, 2015. Collection method: clinical testing. Allele origin: germline.

NM_003482.4(KMT2D):c.1783G>A (p.Glu595Lys)

Gene: KMT2D (lysine methyltransferase 2D; minus strand). Cytogenetic location: 12q13.12.
Variant type: single nucleotide variant.
Coding change: c.1783G>A on transcript NM_003482.4 (MANE Select); coding-DNA position 1783, G replaced by A.
Protein change: p.Glu595Lys; replaces glutamic acid 595 with lysine.
Molecular consequence: missense variant.
Genome position (GRCh38, 1-based): chr12:49,051,900, C>T on the plus strand (G>A on the coding strand, the complement: KMT2D is on the minus strand). VCF-style: chr12-49051900-C-T. GRCh37 (hg19) VCF-style: chr12-49445683-C-T.
Other names: short protein forms E595K.
Identifiers: ClinVar variation 2962825 (VCV002962825.4), dbSNP rs2120678510, ClinGen allele CA384673062.
Genomic context (GRCh38, chr12:49,051,900, plus strand): 5'-ACTCCTCAGGTGGAGGGGACAGAGGAGACTCTTCAAATGGTGGGAACAGACGAGATGCCT[C>T]CGGTGGTGGAGACATGGGTGACTCTTCAGGTGGAGGGGACATGGGTGACTCCTCAGGTGG-3'
Protein context (NP_003473.3, residues 585-605): PEESPMSPPP[Glu595Lys]ASRLFPPFEE